The following is an entry in ClinVar:

NM_001369.3(DNAH5):c.3202G>C (p.Ala1068Pro)

Genes: DNAH5 (dynein axonemal heavy chain 5; minus strand), DNAH5-AS1 (DNAH5 antisense RNA 1; plus strand). Cytogenetic location: 5p15.2.
Variant type: single nucleotide variant.
Coding change: c.3202G>C on transcript NM_001369.3 (MANE Select); coding-DNA position 3202, G replaced by C.
Protein change: p.Ala1068Pro; replaces alanine 1068 with proline.
Molecular consequence: missense variant.
Genome position (GRCh38, 1-based): chr5:13,882,788, C>G on the plus strand (G>C on the coding strand, the complement: DNAH5 is on the minus strand). VCF-style: chr5-13882788-C-G. GRCh37 (hg19) VCF-style: chr5-13882897-C-G.
Other names: short protein forms A1068P.
Identifiers: ClinVar variation 414356 (VCV000414356.20), dbSNP rs200249508, ClinGen allele CA3204351.

ClinVar aggregate classification (germline): Conflicting classifications of pathogenicity. Review status: criteria provided, conflicting classifications (1 of 4 stars). 5 submissions from 5 submitters: Uncertain significance (3); Benign (1); Likely benign (1). Last evaluated 2026-01-28.

Conditions:
Primary ciliary dyskinesia. Also called: Ciliary dyskinesia. Identifiers: Orphanet 244, MedGen C0008780, MONDO:0016575, HP:0012265.
Primary ciliary dyskinesia 3. Identifiers: Orphanet 244, MedGen C1837618, MONDO:0012085, OMIM 608644.

Allele frequency attached by ClinVar (database versions not stated): gnomAD 0.00008; 1000 Genomes Project 30x 0.00016; TOPMed 0.00019; 1000 Genomes Project 0.00020; ExAC 0.00055; gnomAD exomes 0.00072.
gnomAD v4.1: 220 of 1,614,070 alleles (0.014%); highest among the groups gnomAD compares: Admixed American, 0.36%; no homozygotes.

Submissions (5):

Labcorp Genetics (formerly Invitae), Labcorp
Classification: Likely benign for Primary ciliary dyskinesia. Last evaluated: 2026-01-28. Review status: criteria provided, single submitter. Criteria: Invitae Variant Classification Sherloc (09022015). Collection method: clinical testing. Allele origin: germline.

GeneDx
Classification: Uncertain significance. Last evaluated: 2025-12-06. Review status: criteria provided, single submitter. Criteria: GeneDx Variant Classification Process June 2021. Collection method: clinical testing. Allele origin: germline. Affected: yes.
Comment: In silico analysis suggests that this missense variant does not alter protein structure/function; Has not been previously published as pathogenic or benign to our knowledge

Ambry Genetics
Classification: Benign for Primary ciliary dyskinesia. Last evaluated: 2025-10-01. Review status: criteria provided, single submitter. Criteria: Ambry Variant Classification Scheme 2023. Collection method: clinical testing. Allele origin: germline.

Blueprint Genetics
Classification: Uncertain significance. Last evaluated: 2024-08-20. Review status: criteria provided, single submitter. Criteria: ACMG Guidelines, 2015. Collection method: clinical testing. Allele origin: germline.

Illumina Laboratory Services, Illumina
Classification: Uncertain significance for Primary ciliary dyskinesia 3. Last evaluated: 2018-01-13. Review status: criteria provided, single submitter. Criteria: ICSL Variant Classification Criteria 13 December 2019. Collection method: clinical testing. Allele origin: germline.